The following is an entry in ClinVar:

NM_000218.3(KCNQ1):c.1578G>T (p.Lys526Asn)

Gene: KCNQ1 (potassium voltage-gated channel subfamily Q member 1; plus strand). Cytogenetic location: 11p15.5.
Variant type: single nucleotide variant.
Coding change: c.1578G>T on transcript NM_000218.3 (MANE Select); coding-DNA position 1578, G replaced by T.
Protein change: p.Lys526Asn; replaces lysine 526 with asparagine.
Molecular consequence: missense variant.
Genome position (GRCh38, 1-based): chr11:2,768,907, G>T. VCF-style: chr11-2768907-G-T. GRCh37 (hg19) VCF-style: chr11-2790137-G-T.
Other names: c.1482G>T, p.Lys494Asn (NM_001406836.1); c.1308G>T, p.Lys436Asn (NM_001406837.1); c.1038G>T, p.Lys346Asn (NM_001406838.1); c.1197G>T, p.Lys399Asn (NM_181798.2); short protein forms K399N, K526N, K346N, K494N, K436N.
Identifiers: ClinVar variation 519343 (VCV000519343.7), dbSNP rs1554919483, ClinGen allele CA379139013.
Genomic context (GRCh38, chr11:2,768,907, plus strand): 5'-GCGGGAACACCATCGGGCCACCATTAAGGTCATTCGACGCATGCAGTACTTTGTGGCCAA[G>T]AAGAAATTCCAGGTAAGCCCTGTGCTGAGCCTTCCTGCCCTCAGCCTGCCCCTCGCAGCC-3'
Protein context (NP_000209.2, residues 516-536): VIRRMQYFVA[Lys526Asn]KKFQQARKPY

ClinVar aggregate classification (germline): Uncertain significance (1 of 4 stars; one submission).

Conditions:
Cardiovascular phenotype. Identifiers: MedGen CN230736.

Submission:

Ambry Genetics
Classification: Uncertain significance for Cardiovascular phenotype. Last evaluated: 2016-10-25. Review status: criteria provided, single submitter. Criteria: Ambry Variant Classification Scheme 2023. Collection method: clinical testing. Allele origin: germline.
Comment: The p.K526N variant (also known as c.1578G>T), located in coding exon 12 of the KCNQ1 gene, results from a G to T substitution at nucleotide position 1578. The lysine at codon 526 is replaced by asparagine, an amino acid with similar properties. Another alteration at the same codon, p.K526E (c.1576A>G), has been reported in a single individual in a long QT patient cohort (Tester DJ et al. Heart Rhythm, 2005 May;2:507-17). This amino acid position is well conserved in available vertebrate species. In addition, the in silico prediction for this alteration is inconclusive. Since supporting evidence is limited at this time, the clinical significance of this variant remains unclear.

Literature cited by the submitters: PubMed 15840476.